The following is an entry in ClinVar:

ClinVar aggregate classification (germline): Benign. Review status: criteria provided, multiple submitters, no conflicts (2 of 4 stars). 3 submissions from 3 submitters: Benign (3). Last evaluated 2021-07-14.

Conditions:
Congenital myasthenic syndrome 8. Also called: MYASTHENIC SYNDROME, CONGENITAL, DUE TO AGRIN DEFICIENCY; Myasthenic syndrome, congenital, 8, with pre- and postsynaptic defects. Identifiers: Orphanet 590, MedGen C3808739, MONDO:0014052, OMIM 615120.

Allele frequency attached by ClinVar (database versions not stated): TOPMed 0.89077; gnomAD 0.89344 and 0.89774; 1000 Genomes Project 30x 0.91021; 1000 Genomes Project 0.91194; gnomAD exomes 0.93153.
gnomAD v4.1: 1,339,415 of 1,443,550 alleles (93%); highest among the groups gnomAD compares: East Asian, 100%; 622,507 homozygotes.

Submissions (3):

Genome-Nilou Lab
Classification: Benign for Congenital myasthenic syndrome 8. Last evaluated: 2021-07-14. Review status: criteria provided, single submitter. Criteria: ACMG Guidelines, 2015. Collection method: clinical testing. Allele origin: germline. Affected: no.

GeneDx
Classification: Benign. Last evaluated: 2018-06-16. Review status: criteria provided, single submitter. Criteria: GeneDx Variant Classification (06012015). Collection method: clinical testing. Allele origin: germline. Affected: yes.
Comment: This variant is considered likely benign or benign based on one or more of the following criteria: it is a conservative change, it occurs at a poorly conserved position in the protein, it is predicted to be benign by multiple in silico algorithms, and/or has population frequency not consistent with disease.

Breakthrough Genomics
Classification: Benign. Review status: criteria provided, single submitter. Criteria: ACMG Guidelines, 2015. Collection method: not provided. Allele origin: germline. Inheritance: Autosomal recessive inheritance. Affected: yes.

NM_198576.4(AGRN):c.2255-81G>A

Gene: AGRN (agrin; plus strand). Cytogenetic location: 1p36.33.
Variant type: single nucleotide variant.
Coding change: c.2255-81G>A on transcript NM_198576.4 (MANE Select); 81 bases into the intron before coding-DNA position 2255, G replaced by A.
Molecular consequence: intron variant.
Genome position (GRCh38, 1-based): chr1:1,045,080, G>A. VCF-style: chr1-1045080-G-A. GRCh37 (hg19) VCF-style: chr1-980460-G-A.
Other names: c.2255-81G>A (NM_001305275.2); c.1940-81G>A (NM_001364727.2).
Identifiers: ClinVar variation 677948 (VCV000677948.5), dbSNP rs3128097, ClinGen allele CA10829578.